The following is an entry in ClinVar:

ClinVar aggregate classification (germline): Uncertain significance. Review status: criteria provided, multiple submitters, no conflicts (2 of 4 stars). 3 submissions from 3 submitters: Uncertain significance (3). Last evaluated 2025-08-07.

Conditions:
SERAC1-related disorder. Also called: SERAC1-related condition; SERAC1-related disorders.
3-methylglutaconic aciduria with deafness, encephalopathy, and Leigh-like syndrome (MEGDEL). Also called: SERAC1 Deficiency; MEGDEL syndrome; 3-METHYLGLUTACONIC ACIDURIA, TYPE VI. Identifiers: Orphanet 352328, MedGen C4040739, MONDO:0013875, OMIM 614739.
Inborn genetic diseases. Identifiers: MedGen C0950123, MeSH D030342.

Allele frequency attached by ClinVar (database versions not stated): ExAC 0.00007; gnomAD 0.00007 and 0.00008; gnomAD exomes 0.00008 and 0.00013; TOPMed 0.00009.
gnomAD v4.1: 198 of 1,613,996 alleles (0.012%); highest among the groups gnomAD compares: Non-Finnish European, 0.016%; no homozygotes.

Submissions (3):

Ambry Genetics
Classification: Uncertain significance for Inborn genetic diseases. Last evaluated: 2025-08-07. Review status: criteria provided, single submitter. Criteria: Ambry Variant Classification Scheme 2023. Collection method: clinical testing. Allele origin: germline.

PreventionGenetics, part of Exact Sciences
Classification: Uncertain significance for SERAC1-related condition. Last evaluated: 2025-06-13. Review status: criteria provided, single submitter. Criteria: ACMG Guidelines, 2015. Collection method: clinical testing. Allele origin: germline.
Comment: The SERAC1 c.1084A>T variant is predicted to result in the amino acid substitution p.Ile362Phe. To our knowledge, this variant has not been reported in the literature. This variant is reported in 0.016% of alleles in individuals of European (Non-Finnish) descent in gnomAD. At this time, the clinical significance of this variant is uncertain due to the absence of conclusive functional and genetic evidence.

Labcorp Genetics (formerly Invitae), Labcorp
Classification: Uncertain significance for 3-methylglutaconic aciduria with deafness, encephalopathy, and Leigh-like syndrome. Last evaluated: 2022-09-12. Review status: criteria provided, single submitter. Criteria: Invitae Variant Classification Sherloc (09022015). Collection method: clinical testing. Allele origin: germline.
Comment: This sequence change replaces isoleucine, which is neutral and non-polar, with phenylalanine, which is neutral and non-polar, at codon 362 of the SERAC1 protein (p.Ile362Phe). This variant is present in population databases (rs537530231, gnomAD 0.02%). This variant has not been reported in the literature in individuals affected with SERAC1-related conditions. ClinVar contains an entry for this variant (Variation ID: 573228). Advanced modeling of protein sequence and biophysical properties (such as structural, functional, and spatial information, amino acid conservation, physicochemical variation, residue mobility, and thermodynamic stability) performed at Invitae indicates that this missense variant is not expected to disrupt SERAC1 protein function. In summary, the available evidence is currently insufficient to determine the role of this variant in disease. Therefore, it has been classified as a Variant of Uncertain Significance.

NM_032861.4(SERAC1):c.1084A>T (p.Ile362Phe)

Gene: SERAC1 (serine active site containing 1; minus strand). Cytogenetic location: 6q25.3.
Variant type: single nucleotide variant.
Coding change: c.1084A>T on transcript NM_032861.4 (MANE Select); coding-DNA position 1084, A replaced by T.
Protein change: p.Ile362Phe; replaces isoleucine 362 with phenylalanine.
Molecular consequence: missense variant. On other transcripts: non-coding transcript variant (1).
Genome position (GRCh38, 1-based): chr6:158,120,507, T>A on the plus strand (A>T on the coding strand, the complement: SERAC1 is on the minus strand). VCF-style: chr6-158120507-T-A. GRCh37 (hg19) VCF-style: chr6-158541539-T-A.
Other names: short protein forms I362F.
Identifiers: ClinVar variation 573228 (VCV000573228.6), dbSNP rs537530231, ClinGen allele CA4071193.
Genomic context (GRCh38, chr6:158,120,507, plus strand): 5'-GCACATATACGCCATCCTGATATTTTTCTTGCACAGTTTCTCGGTCTAGATTTGCCAGGA[T>A]TCTGGCAGCGTGTGAGGACTCCATAATGTGGGGAGATTTCATTGCTTCTGCCATGATGGA-3'
Protein context (NP_116250.3, residues 352-372): HIMESSHAAR[Ile362Phe]LANLDRETVQ